The following is an entry in ClinVar:

ClinVar aggregate classification (germline): Uncertain significance. Review status: criteria provided, multiple submitters, no conflicts (2 of 4 stars). 2 submissions from 2 submitters: Uncertain significance (2). Last evaluated 2024-08-03.

Conditions:
Desmin-related myofibrillar myopathy (MFM1). Also called: Desminopathy; Desmin related myopathy (former name); Desmin storage myopathy (former name); MYOFIBRILLAR MYOPATHY WITH ARRHYTHMOGENIC RIGHT VENTRICULAR CARDIOMYOPATHY; DESMIN-RELATED MYOPATHY WITH ARRHYTHMOGENIC RIGHT VENTRICULAR CARDIOMYOPATHY; Myofibrillar myopathy 1. Identifiers: Orphanet 363543, Orphanet 98909, MedGen C1832370, MONDO:0011076, OMIM 601419.
Cardiovascular phenotype. Identifiers: MedGen CN230736.

Submissions (2):

Ambry Genetics
Classification: Uncertain significance for Cardiovascular phenotype. Last evaluated: 2024-08-03. Review status: criteria provided, single submitter. Criteria: Ambry Variant Classification Scheme 2023. Collection method: clinical testing. Allele origin: germline.
Comment: The p.A94V variant (also known as c.281C>T), located in coding exon 1 of the DES gene, results from a C to T substitution at nucleotide position 281. The alanine at codon 94 is replaced by valine, an amino acid with similar properties. This amino acid position is conserved. In addition, the in silico prediction for this alteration is inconclusive. Based on the available evidence, the clinical significance of this variant remains unclear.

Labcorp Genetics (formerly Invitae), Labcorp
Classification: Uncertain significance for Desmin-related myofibrillar myopathy. Last evaluated: 2024-07-13. Review status: criteria provided, single submitter. Criteria: Invitae Variant Classification Sherloc (09022015). Collection method: clinical testing. Allele origin: germline.
Comment: This sequence change replaces alanine, which is neutral and non-polar, with valine, which is neutral and non-polar, at codon 94 of the DES protein (p.Ala94Val). This variant is not present in population databases (gnomAD no frequency). This variant has not been reported in the literature in individuals affected with DES-related conditions. Advanced modeling of protein sequence and biophysical properties (such as structural, functional, and spatial information, amino acid conservation, physicochemical variation, residue mobility, and thermodynamic stability) has been performed at Invitae for this missense variant, however the output from this modeling did not meet the statistical confidence thresholds required to predict the impact of this variant on DES protein function. In summary, the available evidence is currently insufficient to determine the role of this variant in disease. Therefore, it has been classified as a Variant of Uncertain Significance.

NM_001927.4(DES):c.281C>T (p.Ala94Val)

Gene: DES (desmin; plus strand). Cytogenetic location: 2q35.
Variant type: single nucleotide variant.
Coding change: c.281C>T on transcript NM_001927.4 (MANE Select); coding-DNA position 281, C replaced by T.
Protein change: p.Ala94Val; replaces alanine 94 with valine.
Molecular consequence: missense variant.
Genome position (GRCh38, 1-based): chr2:219,418,743, C>T. VCF-style: chr2-219418743-C-T. GRCh37 (hg19) VCF-style: chr2-220283465-C-T.
Other names: c.281C>T, p.Ala94Val (NM_001382708.1, NM_001382709.1, NM_001382710.1 and 3 more transcripts); short protein forms A94V.
Identifiers: ClinVar variation 3501189 (VCV003501189.3).